The following is an entry in ClinVar:

ClinVar aggregate classification (germline): Conflicting classifications of pathogenicity. Review status: criteria provided, conflicting classifications (1 of 4 stars). 3 submissions from 3 submitters: Uncertain significance (2); Likely benign (1). Last evaluated 2023-03-23.

Conditions:
Hereditary breast ovarian cancer syndrome. Also called: Hereditary breast and/or ovarian cancer syndrome; BRCA1- and BRCA2-Associated Hereditary Breast and Ovarian Cancer; Breast and ovarian cancer; Hereditary breast and ovarian cancer; Hereditary breast and ovarian cancer syndrome; Hereditary breast and ovarian cancer syndrome (HBOC). Identifiers: Orphanet 145, MedGen C0677776, MeSH D061325, MONDO:0003582. Disease mechanism: loss of function.
Hereditary cancer-predisposing syndrome. Also called: Hereditary neoplastic syndrome; Tumor predisposition; Hereditary Cancer Syndrome; Neoplastic Syndromes, Hereditary. Identifiers: Orphanet 140162, MedGen C0027672, MeSH D009386, MONDO:0015356.

Allele frequency attached by ClinVar (database versions not stated): TOPMed 0.00001.

Submissions (3):

University of Washington Department of Laboratory Medicine, University of Washington
Classification: Likely benign for Hereditary cancer-predisposing syndrome. Last evaluated: 2023-03-23. Review status: criteria provided, single submitter. Criteria: Dines et al. (Genet Med. 2020). Collection method: curation. Allele origin: germline.
Comment: Missense variant in a coldspot region where missense variants are very unlikely to be pathogenic (PMID:31911673).

BRCA2 exon 11 coldspot. Reclassification based on statistical prior probability.

Labcorp Genetics (formerly Invitae), Labcorp
Classification: Uncertain significance for Hereditary breast ovarian cancer syndrome. Last evaluated: 2022-07-26. Review status: criteria provided, single submitter. Criteria: Invitae Variant Classification Sherloc (09022015). Collection method: clinical testing. Allele origin: germline.
Comment: This sequence change replaces glutamic acid, which is acidic and polar, with valine, which is neutral and non-polar, at codon 1250 of the BRCA2 protein (p.Glu1250Val). This variant is not present in population databases (gnomAD no frequency). This missense change has been observed in individual(s) with clinical features of BRCA2-related conditions (PMID: 21520333). ClinVar contains an entry for this variant (Variation ID: 491258). Advanced modeling of protein sequence and biophysical properties (such as structural, functional, and spatial information, amino acid conservation, physicochemical variation, residue mobility, and thermodynamic stability) performed at Invitae indicates that this missense variant is not expected to disrupt BRCA2 protein function. Algorithms developed to predict the effect of sequence changes on RNA splicing suggest that this variant may create or strengthen a splice site. In summary, the available evidence is currently insufficient to determine the role of this variant in disease. Therefore, it has been classified as a Variant of Uncertain Significance.

Color Diagnostics, LLC DBA Color Health
Classification: Uncertain significance for Hereditary cancer-predisposing syndrome. Last evaluated: 2019-04-28. Review status: criteria provided, single submitter. Criteria: ACMG Guidelines, 2015. Collection method: clinical testing. Allele origin: germline.

Literature cited by the submitters: PubMed 21520333 (cited by Labcorp Genetics (formerly Invitae), Labcorp).

NM_000059.4(BRCA2):c.3749A>T (p.Glu1250Val)

Gene: BRCA2 (BRCA2 DNA repair associated; plus strand). Cytogenetic location: 13q13.1.
Variant type: single nucleotide variant.
Coding change: c.3749A>T on transcript NM_000059.4 (MANE Select); coding-DNA position 3749, A replaced by T.
Protein change: p.Glu1250Val; replaces glutamic acid 1250 with valine.
Molecular consequence: missense variant.
Genome position (GRCh38, 1-based): chr13:32,338,104, A>T. VCF-style: chr13-32338104-A-T. GRCh37 (hg19) VCF-style: chr13-32912241-A-T.
Other names: short protein forms E1250V.
Identifiers: ClinVar variation 491258 (VCV000491258.13), dbSNP rs56400215, ClinGen allele CA387778179.